The following is an entry in ClinVar:

ClinVar aggregate classification (germline): Uncertain significance. Review status: criteria provided, multiple submitters, no conflicts (2 of 4 stars). 2 submissions from 2 submitters: Uncertain significance (2). Last evaluated 2023-09-30.

Conditions:
Ehlers-Danlos syndrome, type 4 (EDSVASC). Also called: Ehlers-Danlos syndrome vascular type; Ehlers Danlos syndrome, ecchymotic type; Ehlers Danlos syndrome, arterial type; Ehlers Danlos syndrome, Sack-Barabas type; Ehlers-Danlos Syndrome Type IV. Identifiers: Orphanet 286, MedGen C0268338, MONDO:0017314, OMIM 130050.

Submissions (2):

Labcorp Genetics (formerly Invitae), Labcorp
Classification: Uncertain significance for Ehlers-Danlos syndrome, type 4. Last evaluated: 2023-09-30. Review status: criteria provided, single submitter. Criteria: Invitae Variant Classification Sherloc (09022015). Collection method: clinical testing. Allele origin: germline.
Comment: This sequence change replaces proline, which is neutral and non-polar, with threonine, which is neutral and polar, at codon 111 of the COL3A1 protein (p.Pro111Thr). This variant is not present in population databases (gnomAD no frequency). This variant has not been reported in the literature in individuals affected with COL3A1-related conditions. ClinVar contains an entry for this variant (Variation ID: 1710060). Experimental studies and prediction algorithms are not available or were not evaluated, and the functional significance of this variant is currently unknown. In summary, the available evidence is currently insufficient to determine the role of this variant in disease. Therefore, it has been classified as a Variant of Uncertain Significance.

MGZ Medical Genetics Center
Classification: Uncertain significance for Ehlers-Danlos syndrome, type 4. Last evaluated: 2021-10-18. Review status: criteria provided, single submitter. Criteria: ACMG Guidelines, 2015. Collection method: clinical testing. Allele origin: germline. Affected: yes. Observed: 1 variant allele.
Comment: ACMG criteria applied: PM1, PM2_SUP, PP2, PP3

NM_000090.4(COL3A1):c.331C>A (p.Pro111Thr)

Gene: COL3A1 (collagen type III alpha 1 chain; plus strand). Cytogenetic location: 2q32.2.
Variant type: single nucleotide variant.
Coding change: c.331C>A on transcript NM_000090.4 (MANE Select); coding-DNA position 331, C replaced by A.
Protein change: p.Pro111Thr; replaces proline 111 with threonine.
Molecular consequence: missense variant.
Genome position (GRCh38, 1-based): chr2:188,985,245, C>A. VCF-style: chr2-188985245-C-A. GRCh37 (hg19) VCF-style: chr2-189849971-C-A.
Other names: short protein forms P111T.
Identifiers: ClinVar variation 1710060 (VCV001710060.5), dbSNP rs2469107231, ClinGen allele CA349847649.